The following is an entry in ClinVar:

ClinVar aggregate classification (germline): Uncertain significance (1 of 4 stars; one submission).

gnomAD v4.1: 1 of 1,513,416 alleles (0.000066%); highest among the groups gnomAD compares: Non-Finnish European, 0.000088%; no homozygotes.

Submission:

GeneDx
Classification: Uncertain significance. Last evaluated: 2024-03-07. Review status: criteria provided, single submitter. Criteria: GeneDx Variant Classification Process June 2021. Collection method: clinical testing. Allele origin: germline. Affected: yes.
Comment: Not observed at significant frequency in large population cohorts (gnomAD); In silico analysis supports that this missense variant has a deleterious effect on protein structure/function; Has not been previously published as pathogenic or benign to our knowledge

NM_001353345.2(SETD1B):c.4490C>A (p.Pro1497His)

Gene: SETD1B (SET domain containing 1B, histone lysine methyltransferase; plus strand). Cytogenetic location: 12q24.31.
Variant type: single nucleotide variant.
Coding change: c.4490C>A on transcript NM_001353345.2 (MANE Select); coding-DNA position 4490, C replaced by A.
Protein change: p.Pro1497His; replaces proline 1497 with histidine.
Molecular consequence: missense variant.
Genome position (GRCh38, 1-based): chr12:121,823,069, C>A. VCF-style: chr12-121823069-C-A. GRCh37 (hg19) VCF-style: chr12-122260975-C-A.
Other names: short protein forms P1497H.
Identifiers: ClinVar variation 3370686 (VCV003370686.1).